The following is an entry in ClinVar:

ClinVar aggregate classification (germline): Uncertain significance (1 of 4 stars; one submission).

gnomAD v4.1: 4 of 1,581,748 alleles (0.00025%); highest among the groups gnomAD compares: Non-Finnish European, 0.00034%; no homozygotes.

Submission:

Ambry Genetics
Classification: Uncertain significance. Last evaluated: 2025-02-14. Review status: criteria provided, single submitter. Criteria: Ambry Variant Classification Scheme 2023. Collection method: clinical testing. Allele origin: germline.
Comment: The p.K1906M variant (also known as c.5717A>T), located in coding exon 23 of the WNK2 gene, results from an A to T substitution at nucleotide position 5717. The lysine at codon 1906 is replaced by methionine, an amino acid with similar properties. This amino acid position is conserved. In addition, the in silico prediction for this alteration is inconclusive. Based on the available evidence, the clinical significance of this variant remains unclear.

NM_006648.4(WNK2):c.5717A>T (p.Lys1906Met)

Gene: WNK2 (WNK lysine deficient protein kinase 2; plus strand). Cytogenetic location: 9q22.31.
Variant type: single nucleotide variant.
Coding change: c.5717A>T on transcript NM_006648.4 (MANE Select); coding-DNA position 5717, A replaced by T.
Protein change: p.Lys1906Met; replaces lysine 1906 with methionine.
Molecular consequence: missense variant.
Genome position (GRCh38, 1-based): chr9:93,297,861, A>T. VCF-style: chr9-93297861-A-T. GRCh37 (hg19) VCF-style: chr9-96060143-A-T.
Other names: c.5828A>T, p.Lys1943Met (NM_001282394.3); short protein forms K1906M, K1943M.
Identifiers: ClinVar variation 3817079 (VCV003817079.1).
Genomic context (GRCh38, chr9:93,297,861, plus strand): 5'-GTTGGAAACACCGAGGAAGCCCATCGGCGCTCCCTCCTGTCCCCTCCTGCAGGCACCTGA[A>T]GGAGATCTCGGAGCTGCAGAGCCAGCAGAAGCAGGAGATCGAAGCTCTGTACCGCCGCCT-3'
Protein context (NP_006639.3, residues 1896-1916): ELQSLREKHL[Lys1906Met]EISELQSQQK